The following is an entry in ClinVar:

NM_020247.5(COQ8A):c.973C>T (p.Arg325Trp)

Gene: COQ8A (coenzyme Q8A; plus strand). Cytogenetic location: 1q42.13.
Variant type: single nucleotide variant.
Coding change: c.973C>T on transcript NM_020247.5 (MANE Select); coding-DNA position 973, C replaced by T.
Protein change: p.Arg325Trp; replaces arginine 325 with tryptophan.
Molecular consequence: missense variant.
Genome position (GRCh38, 1-based): chr1:226,982,927, C>T. VCF-style: chr1-226982927-C-T. GRCh37 (hg19) VCF-style: chr1-227170628-C-T.
Other names: short protein forms R325W.
Identifiers: ClinVar variation 446805 (VCV000446805.6), dbSNP rs565573577, ClinGen allele CA1425253.

ClinVar aggregate classification (germline): Uncertain significance. Review status: criteria provided, multiple submitters, no conflicts (2 of 4 stars). 2 submissions from 2 submitters: Uncertain significance (2). Last evaluated 2022-10-17.

Allele frequency attached by ClinVar (database versions not stated): gnomAD 0.00001 and 0.00002; gnomAD exomes 0.00002 and 0.00003; ExAC 0.00005; 1000 Genomes Project 30x 0.00016; 1000 Genomes Project 0.00020.
gnomAD v4.1: 39 of 1,612,186 alleles (0.0024%); highest among the groups gnomAD compares: Middle Eastern, 0.017%; no homozygotes.

Submissions (2):

Labcorp Genetics (formerly Invitae), Labcorp
Classification: Uncertain significance. Last evaluated: 2022-10-17. Review status: criteria provided, single submitter. Criteria: Invitae Variant Classification Sherloc (09022015). Collection method: clinical testing. Allele origin: germline.
Comment: This sequence change replaces arginine, which is basic and polar, with tryptophan, which is neutral and slightly polar, at codon 325 of the COQ8A protein (p.Arg325Trp). This variant is present in population databases (rs565573577, gnomAD 0.008%). This variant has not been reported in the literature in individuals affected with COQ8A-related conditions. ClinVar contains an entry for this variant (Variation ID: 446805). Algorithms developed to predict the effect of missense changes on protein structure and function (SIFT, PolyPhen-2, Align-GVGD) all suggest that this variant is likely to be disruptive. In summary, the available evidence is currently insufficient to determine the role of this variant in disease. Therefore, it has been classified as a Variant of Uncertain Significance.

Athena Diagnostics
Classification: Uncertain significance. Last evaluated: 2017-01-10. Review status: criteria provided, single submitter. Criteria: Athena Diagnostics Criteria. Collection method: clinical testing. Allele origin: germline.